The following is an entry in ClinVar:

ClinVar aggregate classification (germline): Uncertain significance. Review status: criteria provided, multiple submitters, no conflicts (2 of 4 stars). 3 submissions from 3 submitters: Uncertain significance (2). 1 of the submissions does not count toward it. Last evaluated 2025-02-03.

Conditions:
Inborn genetic diseases. Identifiers: MedGen C0950123, MeSH D030342.
Retinal dystrophy. Also called: Inherited retinal dystrophy. Identifiers: Orphanet 71862, MedGen C0854723, MeSH D058499, MONDO:0019118, HP:0000556.

Allele frequency attached by ClinVar (database versions not stated): gnomAD exomes 0.00001 and 0.00004; gnomAD 0.00002 and 0.00003; ExAC 0.00007; TOPMed 0.00003.

Submissions (3):

Labcorp Genetics (formerly Invitae), Labcorp
Classification: Uncertain significance. Last evaluated: 2025-02-03. Review status: criteria provided, single submitter. Criteria: Invitae Variant Classification Sherloc (09022015). Collection method: clinical testing. Allele origin: germline.
Comment: This sequence change replaces arginine, which is basic and polar, with glutamine, which is neutral and polar, at codon 118 of the RP1L1 protein (p.Arg118Gln). This variant is present in population databases (rs557203614, gnomAD 0.02%). This variant has not been reported in the literature in individuals affected with RP1L1-related conditions. ClinVar contains an entry for this variant (Variation ID: 1463339). Invitae Evidence Modeling of protein sequence and biophysical properties (such as structural, functional, and spatial information, amino acid conservation, physicochemical variation, residue mobility, and thermodynamic stability) indicates that this missense variant is not expected to disrupt RP1L1 protein function with a negative predictive value of 80%. In summary, the available evidence is currently insufficient to determine the role of this variant in disease. Therefore, it has been classified as a Variant of Uncertain Significance.

Ambry Genetics
Classification: Uncertain significance for Inborn genetic diseases. Last evaluated: 2023-12-14. Review status: criteria provided, single submitter. Criteria: Ambry Variant Classification Scheme 2023. Collection method: clinical testing. Allele origin: germline.

Institute of Human Genetics, Univ. Regensburg, Univ. Regensburg
Classification: Uncertain significance for Retinal dystrophy. Last evaluated: 2022-01-01. Review status: no assertion criteria provided. Criteria: ACMG Guidelines, 2015. Collection method: clinical testing. Allele origin: germline. Affected: yes. Not counted in ClinVar's aggregate classification.

NM_178857.6(RP1L1):c.353G>A (p.Arg118Gln)

Gene: RP1L1 (RP1 like 1). Cytogenetic location: 8p23.1.
Variant type: single nucleotide variant.
Coding change: c.353G>A on transcript NM_178857.6 (MANE Select); coding-DNA position 353, G replaced by A.
Protein change: p.Arg118Gln; replaces arginine 118 with glutamine.
Molecular consequence: missense variant.
Genome position (GRCh38, 1-based): chr8:10,622,849, C>T on the plus strand (G>A on the coding strand, the complement: RP1L1 is on the minus strand). VCF-style: chr8-10622849-C-T. GRCh37 (hg19) VCF-style: chr8-10480359-C-T.
Other names: c.353G>A (NM_178857.5); short protein forms R118Q.
Identifiers: ClinVar variation 1463339 (VCV001463339.8), dbSNP rs557203614, ClinGen allele CA4625743.
Genomic context (GRCh38, chr8:10,622,849, plus strand): 5'-GCTTCACGCTGGCCTTCGACATCCCGCAACTGCTGAGCAGTGGGGTTTCTCTCCTGTGGC[C>T]GGCCTGGTCCACTGGGGGTCTTGGGGGGCTTCTTATCAGAGCAGAGGTAGCAGCCTCCAT-3'
Protein context (NP_849188.4, residues 108-128): KPPKTPSGPG[Arg118Gln]PQERNPTAQQ